The following is an entry in ClinVar:

ClinVar aggregate classification (germline): Uncertain significance (1 of 4 stars; one submission).

Conditions:
EGFR-related lung cancer (EGFR). Identifiers: MedGen CN130014.

Submission:

Labcorp Genetics (formerly Invitae), Labcorp
Classification: Uncertain significance for EGFR-related lung cancer. Last evaluated: 2024-11-15. Review status: criteria provided, single submitter. Criteria: Invitae Variant Classification Sherloc (09022015). Collection method: clinical testing. Allele origin: germline.
Comment: This sequence change replaces arginine, which is basic and polar, with proline, which is neutral and non-polar, at codon 2 of the EGFR protein (p.Arg2Pro). This variant is not present in population databases (gnomAD no frequency). This variant has not been reported in the literature in individuals affected with EGFR-related conditions. An algorithm developed to predict the effect of missense changes on protein structure and function (PolyPhen-2) suggests that this variant is likely to be disruptive. In summary, the available evidence is currently insufficient to determine the role of this variant in disease. Therefore, it has been classified as a Variant of Uncertain Significance.

NM_005228.5(EGFR):c.5G>C (p.Arg2Pro)

Gene: EGFR (epidermal growth factor receptor; plus strand). Cytogenetic location: 7p11.2.
Variant type: single nucleotide variant.
Coding change: c.5G>C on transcript NM_005228.5 (MANE Select); coding-DNA position 5, G replaced by C.
Protein change: p.Arg2Pro; replaces arginine 2 with proline.
Molecular consequence: missense variant.
Genome position (GRCh38, 1-based): chr7:55,019,282, G>C. VCF-style: chr7-55019282-G-C. GRCh37 (hg19) VCF-style: chr7-55086975-G-C.
Other names: c.5G>C, p.Arg2Pro (NM_001346897.2, NM_001346898.2, NM_001346899.2 and 4 more transcripts); short protein forms R2P.
Identifiers: ClinVar variation 3625426 (VCV003625426.2).